The following is an entry in ClinVar:

NM_001297.5(CNGB1):c.1288G>A (p.Glu430Lys)

Gene: CNGB1 (cyclic nucleotide gated channel subunit beta 1; minus strand). Cytogenetic location: 16q21.
Variant type: single nucleotide variant.
Coding change: c.1288G>A on transcript NM_001297.5 (MANE Select); coding-DNA position 1288, G replaced by A.
Protein change: p.Glu430Lys; replaces glutamic acid 430 with lysine.
Molecular consequence: missense variant.
Genome position (GRCh38, 1-based): chr16:57,939,514, C>T on the plus strand (G>A on the coding strand, the complement: CNGB1 is on the minus strand). VCF-style: chr16-57939514-C-T. GRCh37 (hg19) VCF-style: chr16-57973418-C-T.
Other names: c.1288G>A (NM_001297.4); c.1270G>A, p.Glu424Lys (NM_001286130.2); short protein forms E424K, E430K.
Identifiers: ClinVar variation 1095337 (VCV001095337.10), dbSNP rs189230735, ClinGen allele CA8083483.

ClinVar aggregate classification (germline): Conflicting classifications of pathogenicity. Review status: criteria provided, conflicting classifications (1 of 4 stars). 4 submissions from 4 submitters: Uncertain significance (1); Likely benign (3). Last evaluated 2025-12-30.

Conditions:
Inborn genetic diseases. Identifiers: MedGen C0950123, MeSH D030342.
CNGB1-related disorder. Also called: CNGB1-related condition.

Allele frequency attached by ClinVar (database versions not stated): gnomAD exomes 0.00010 and 0.00024; ExAC 0.00027; 1000 Genomes Project 0.00080; 1000 Genomes Project 30x 0.00094; gnomAD 0.00110 and 0.00118; ESP Exome Variant Server 0.00121; TOPMed 0.00124.
gnomAD v4.1: 317 of 1,614,078 alleles (0.02%); highest among the groups gnomAD compares: African/African-American, 0.38%; 1 homozygote.

Submissions (4):

Labcorp Genetics (formerly Invitae), Labcorp
Classification: Likely benign. Last evaluated: 2025-12-30. Review status: criteria provided, single submitter. Criteria: Invitae Variant Classification Sherloc (09022015). Collection method: clinical testing. Allele origin: germline.

PreventionGenetics, part of Exact Sciences
Classification: Likely benign for CNGB1-related condition. Last evaluated: 2025-02-13. Review status: criteria provided, single submitter. Criteria: ACMG Guidelines, 2015. Collection method: clinical testing. Allele origin: germline.
Comment: This variant is classified as likely benign based on ACMG/AMP sequence variant interpretation guidelines (Richards et al. 2015 PMID: 25741868, with internal and published modifications).

Blueprint Genetics
Classification: Likely benign. Last evaluated: 2024-11-26. Review status: criteria provided, single submitter. Criteria: ACMG Guidelines, 2015. Collection method: clinical testing. Allele origin: germline.

Ambry Genetics
Classification: Uncertain significance for Inborn genetic diseases. Last evaluated: 2024-06-22. Review status: criteria provided, single submitter. Criteria: Ambry Variant Classification Scheme 2023. Collection method: clinical testing. Allele origin: germline.